The following is an entry in ClinVar:

ClinVar aggregate classification (germline): Uncertain significance. Review status: criteria provided, single submitter (1 of 4 stars). 2 submissions from 2 submitters: Uncertain significance (1). 1 of the submissions does not count toward it. Last evaluated 2022-08-31.

Conditions:
TTC21B-related disorder. Also called: TTC21B-related disorders; TTC21B-related condition.
Jeune thoracic dystrophy. Also called: Jeune syndrome; Infantile thoracic dystrophy; Thoracic pelvic phalangeal dystrophy; Jeune's syndrome; Chondroectodermal dysplasia-like syndrome; Short-rib thoracic dysplasia. Identifiers: Orphanet 474, MedGen C0265275, MONDO:0018770.
Nephronophthisis. Also called: Juvenile Nephronophthisis. Identifiers: Orphanet 655, MedGen C0687120, MONDO:0019005, HP:0000090.

Allele frequency attached by ClinVar (database versions not stated): ExAC 0.00001; gnomAD 0.00001; TOPMed 0.00001.
gnomAD v4.1: 38 of 1,603,824 alleles (0.0024%); highest among the groups gnomAD compares: South Asian, 0.03%; no homozygotes.

Submissions (2):

Labcorp Genetics (formerly Invitae), Labcorp
Classification: Uncertain significance for Jeune thoracic dystrophy; Nephronophthisis. Last evaluated: 2022-08-31. Review status: criteria provided, single submitter. Criteria: Invitae Variant Classification Sherloc (09022015). Collection method: clinical testing. Allele origin: germline.
Comment: In summary, the available evidence is currently insufficient to determine the role of this variant in disease. Therefore, it has been classified as a Variant of Uncertain Significance. Variants that disrupt the consensus splice site are a relatively common cause of aberrant splicing (PMID: 17576681, 9536098). Algorithms developed to predict the effect of sequence changes on RNA splicing suggest that this variant may disrupt the consensus splice site. ClinVar contains an entry for this variant (Variation ID: 1493761). This variant has not been reported in the literature in individuals affected with TTC21B-related conditions. This variant is present in population databases (rs747042147, gnomAD 0.02%). This sequence change affects codon 395 of the TTC21B mRNA. It is a 'silent' change, meaning that it does not change the encoded amino acid sequence of the TTC21B protein. This variant also falls at the last nucleotide of exon 10, which is part of the consensus splice site for this exon.

PreventionGenetics, part of Exact Sciences
Classification: Likely benign for TTC21B-related condition. Last evaluated: 2020-03-19. Review status: no assertion criteria provided. Collection method: clinical testing. Allele origin: germline. Not counted in ClinVar's aggregate classification.
Comment: This variant is classified as likely benign based on ACMG/AMP sequence variant interpretation guidelines (Richards et al. 2015 PMID: 25741868, with internal and published modifications).

Literature cited by the submitters: PubMed 17576681 (cited by Labcorp Genetics (formerly Invitae), Labcorp); PubMed 9536098 (cited by Labcorp Genetics (formerly Invitae), Labcorp).

NM_024753.5(TTC21B):c.1185G>A (p.Ala395=)

Gene: TTC21B (tetratricopeptide repeat domain 21B; minus strand). Cytogenetic location: 2q24.3.
Variant type: single nucleotide variant.
Coding change: c.1185G>A on transcript NM_024753.5 (MANE Select); coding-DNA position 1185, G replaced by A.
Protein change: p.Ala395=; no amino-acid change (alanine 395 retained).
Molecular consequence: synonymous variant.
Genome position (GRCh38, 1-based): chr2:165,929,650, C>T on the plus strand (G>A on the coding strand, the complement: TTC21B is on the minus strand). VCF-style: chr2-165929650-C-T. GRCh37 (hg19) VCF-style: chr2-166786160-C-T.
Other names: c.1185G>A (NM_024753.4).
Identifiers: ClinVar variation 1493761 (VCV001493761.6), dbSNP rs747042147, ClinGen allele CA1942217.